The following is an entry in ClinVar:

ClinVar aggregate classification (germline): Uncertain significance (1 of 4 stars; one submission).

Conditions:
Ullrich congenital muscular dystrophy 2 (UCMD2). Identifiers: Orphanet 75840, MedGen C4225314, MONDO:0014654, OMIM 616470.
Bethlem myopathy 2 (BTHLM2). Identifiers: Orphanet 536516, Orphanet 610, MedGen C4225313, MONDO:0034022, OMIM 616471.

gnomAD v4.1: 1 of 1,614,002 alleles (0.000062%); highest among the groups gnomAD compares: Non-Finnish European, 0.000085%; no homozygotes.

Submission:

Labcorp Genetics (formerly Invitae), Labcorp
Classification: Uncertain significance for Bethlem myopathy 2; Ullrich congenital muscular dystrophy 2. Last evaluated: 2025-12-16. Review status: criteria provided, single submitter. Criteria: Invitae Variant Classification Sherloc (09022015). Collection method: clinical testing. Allele origin: germline.
Comment: This sequence change replaces proline, which is neutral and non-polar, with threonine, which is neutral and polar, at codon 693 of the COL12A1 protein (p.Pro693Thr). This variant is not present in population databases (gnomAD no frequency). This variant has not been reported in the literature in individuals affected with COL12A1-related conditions. Invitae Evidence Modeling of protein sequence and biophysical properties (such as structural, functional, and spatial information, amino acid conservation, physicochemical variation, residue mobility, and thermodynamic stability) has been performed for this missense variant. However, the output from this modeling did not meet the statistical confidence thresholds required to predict the impact of this variant on COL12A1 protein function. In summary, the available evidence is currently insufficient to determine the role of this variant in disease. Therefore, it has been classified as a Variant of Uncertain Significance.

NM_004370.6(COL12A1):c.2077C>A (p.Pro693Thr)

Gene: COL12A1 (collagen type XII alpha 1 chain; minus strand). Cytogenetic location: 6q13.
Variant type: single nucleotide variant.
Coding change: c.2077C>A on transcript NM_004370.6 (MANE Select); coding-DNA position 2077, C replaced by A.
Protein change: p.Pro693Thr; replaces proline 693 with threonine.
Molecular consequence: missense variant. On other transcripts: intron variant (2).
Genome position (GRCh38, 1-based): chr6:75,181,026, G>T on the plus strand (C>A on the coding strand, the complement: COL12A1 is on the minus strand). VCF-style: chr6-75181026-G-T. GRCh37 (hg19) VCF-style: chr6-75890742-G-T.
Other names: c.2077C>A, p.Pro693Thr (NM_001424113.1, NM_001424114.1, NM_001424115.1); c.73+21694C>A (NM_001424116.1, NM_080645.3); short protein forms P693T.
Identifiers: ClinVar variation 4782834 (VCV004782834.1).
Genomic context (GRCh38, chr6:75,181,026, plus strand): 5'-AGGGAATGCTGAAGCCATCCTCATACTCCGCAGTCACATTGACCAAATACAAGGTCTCTG[G>T]CTTCAGGCTGCTGAGAACAACACTGGTGCTCGATGCTGGCTCCACCACAGTGACCTCATC-3'
Protein context (NP_004361.3, residues 683-703): STSVVLSSLK[Pro693Thr]ETLYLVNVTA